The following is an entry in ClinVar:

ClinVar aggregate classification (germline): Uncertain significance. Review status: criteria provided, multiple submitters, no conflicts (2 of 4 stars). 2 submissions from 2 submitters: Uncertain significance (2). Last evaluated 2025-08-28.

Conditions:
Immunodeficiency 39 (IMD39). Identifiers: Orphanet 574918, MedGen C4225358, MONDO:0014597, OMIM 616345.

Allele frequency attached by ClinVar (database versions not stated): gnomAD exomes 0.00001.

Submissions (2):

Ambry Genetics
Classification: Uncertain significance. Last evaluated: 2025-08-28. Review status: criteria provided, single submitter. Criteria: Ambry Variant Classification Scheme 2023. Collection method: clinical testing. Allele origin: germline.

Labcorp Genetics (formerly Invitae), Labcorp
Classification: Uncertain significance for Immunodeficiency 39. Last evaluated: 2023-05-18. Review status: criteria provided, single submitter. Criteria: Invitae Variant Classification Sherloc (09022015). Collection method: clinical testing. Allele origin: germline.
Comment: This sequence change replaces proline, which is neutral and non-polar, with leucine, which is neutral and non-polar, at codon 14 of the IRF7 protein (p.Pro14Leu). The frequency data for this variant in the population databases is considered unreliable, as metrics indicate poor data quality at this position in the gnomAD database. This variant has not been reported in the literature in individuals affected with IRF7-related conditions. ClinVar contains an entry for this variant (Variation ID: 965795). An algorithm developed to predict the effect of missense changes on protein structure and function (PolyPhen-2) suggests that this variant is likely to be tolerated. Algorithms developed to predict the effect of sequence changes on RNA splicing suggest that this variant may create or strengthen a splice site. In summary, the available evidence is currently insufficient to determine the role of this variant in disease. Therefore, it has been classified as a Variant of Uncertain Significance.

NM_001572.5(IRF7):c.21-19C>T

Gene: IRF7 (interferon regulatory factor 7; minus strand). Cytogenetic location: 11p15.5.
Variant type: single nucleotide variant.
Coding change: c.21-19C>T on transcript NM_001572.5 (MANE Select); 19 bases into the intron before coding-DNA position 21, C replaced by T.
Molecular consequence: intron variant. On other transcripts: missense variant (1).
Genome position (GRCh38, 1-based): chr11:615,278, G>A on the plus strand (C>T on the coding strand, the complement: IRF7 is on the minus strand). VCF-style: chr11-615278-G-A. GRCh37 (hg19) VCF-style: chr11-615278-G-A.
Other names: c.41C>T, p.Pro14Leu (NM_004031.4); c.21-19C>T (NM_004029.4); short protein forms P14L.
Identifiers: ClinVar variation 965795 (VCV000965795.10), dbSNP rs1032321112, ClinGen allele CA216913682.